The following is an entry in ClinVar:

ClinVar aggregate classification (germline): Uncertain significance (1 of 4 stars; one submission).

Submission:

GeneDx
Classification: Uncertain significance. Last evaluated: 2024-03-22. Review status: criteria provided, single submitter. Criteria: GeneDx Variant Classification Process June 2021. Collection method: clinical testing. Allele origin: germline. Affected: yes.
Comment: Not observed at significant frequency in large population cohorts (gnomAD); In silico analysis supports that this missense variant does not alter protein structure/function; Has not been previously published as pathogenic or benign to our knowledge

NM_001303256.3(MORC2):c.2079G>C (p.Gln693His)

Gene: MORC2 (MORC family CW-type zinc finger 2; minus strand). Cytogenetic location: 22q12.2.
Variant type: single nucleotide variant.
Coding change: c.2079G>C on transcript NM_001303256.3 (MANE Select); coding-DNA position 2079, G replaced by C.
Protein change: p.Gln693His; replaces glutamine 693 with histidine.
Molecular consequence: missense variant.
Genome position (GRCh38, 1-based): chr22:30,934,895, C>G on the plus strand (G>C on the coding strand, the complement: MORC2 is on the minus strand). VCF-style: chr22-30934895-C-G. GRCh37 (hg19) VCF-style: chr22-31330882-C-G.
Other names: c.2079G>C, p.Gln693His (NM_001303257.2); c.1893G>C, p.Gln631His (NM_014941.3); short protein forms Q631H, Q693H.
Identifiers: ClinVar variation 3373577 (VCV003373577.1).